The following is an entry in ClinVar:

ClinVar aggregate classification (germline): Uncertain significance (1 of 4 stars; one submission).

gnomAD v4.1: 6 of 1,538,224 alleles (0.00039%); highest among the groups gnomAD compares: Admixed American, 0.0097%; no homozygotes.

Submission:

Labcorp Genetics (formerly Invitae), Labcorp
Classification: Uncertain significance. Last evaluated: 2026-01-21. Review status: criteria provided, single submitter. Criteria: Invitae Variant Classification Sherloc (09022015). Collection method: clinical testing. Allele origin: germline.
Comment: This sequence change replaces valine, which is neutral and non-polar, with leucine, which is neutral and non-polar, at codon 295 of the SOX17 protein (p.Val295Leu). This variant is present in population databases (rs753081636, gnomAD 0.02%). This variant has not been reported in the literature in individuals affected with SOX17-related conditions. Invitae Evidence Modeling of protein sequence and biophysical properties (such as structural, functional, and spatial information, amino acid conservation, physicochemical variation, residue mobility, and thermodynamic stability) indicates that this missense variant is not expected to disrupt SOX17 protein function with a negative predictive value of 80%. In summary, the available evidence is currently insufficient to determine the role of this variant in disease. Therefore, it has been classified as a Variant of Uncertain Significance.

NM_022454.4(SOX17):c.883G>C (p.Val295Leu)

Gene: SOX17 (SRY-box transcription factor 17; plus strand). Cytogenetic location: 8q11.23.
Variant type: single nucleotide variant.
Coding change: c.883G>C on transcript NM_022454.4 (MANE Select); coding-DNA position 883, G replaced by C.
Protein change: p.Val295Leu; replaces valine 295 with leucine.
Molecular consequence: missense variant.
Genome position (GRCh38, 1-based): chr8:54,459,633, G>C. VCF-style: chr8-54459633-G-C. GRCh37 (hg19) VCF-style: chr8-55372193-G-C.
Other names: short protein forms V295L.
Identifiers: ClinVar variation 4697496 (VCV004697496.1).
Genomic context (GRCh38, chr8:54,459,633, plus strand): 5'-GGCCCAGAGCCCGCGGGTCCCTCGATTCCGGGCCTCCTGGCGCCACCCAGCGCCCTTCAC[G>C]TGTACTACGGCGCGATGGGCTCGCCCGGGGCGGGCGGCGGGCGCGGCTTCCAGATGCAGC-3'
Protein context (NP_071899.1, residues 285-305): GLLAPPSALH[Val295Leu]YYGAMGSPGA